The following is an entry in ClinVar:

ClinVar aggregate classification (germline): Uncertain significance (1 of 4 stars; one submission).

Allele frequency attached by ClinVar (database versions not stated): gnomAD exomes below 0.00001; TOPMed 0.00001.
gnomAD v4.1: 1 of 1,603,724 alleles (0.000062%); highest among the groups gnomAD compares: Non-Finnish European, 0.000085%; no homozygotes.

Submission:

Labcorp Genetics (formerly Invitae), Labcorp
Classification: Uncertain significance. Last evaluated: 2023-08-08. Review status: criteria provided, single submitter. Criteria: Invitae Variant Classification Sherloc (09022015). Collection method: clinical testing. Allele origin: germline.
Comment: In summary, the available evidence is currently insufficient to determine the role of this variant in disease. Therefore, it has been classified as a Variant of Uncertain Significance. Variants that disrupt the consensus splice site are a relatively common cause of aberrant splicing (PMID: 17576681, 9536098). Algorithms developed to predict the effect of sequence changes on RNA splicing suggest that this variant may disrupt the consensus splice site. This variant has not been reported in the literature in individuals affected with ABHD12-related conditions. This variant is not present in population databases (gnomAD no frequency). This sequence change falls in intron 3 of the ABHD12 gene. It does not directly change the encoded amino acid sequence of the ABHD12 protein. It affects a nucleotide within the consensus splice site.

Literature cited by the submitters: PubMed 17576681; PubMed 9536098.

NM_001042472.3(ABHD12):c.422+5G>A

Gene: ABHD12 (abhydrolase domain containing 12, lysophospholipase; minus strand). Cytogenetic location: 20p11.21.
Variant type: single nucleotide variant.
Coding change: c.422+5G>A on transcript NM_001042472.3 (MANE Select); 5 bases into the intron after coding-DNA position 422, G replaced by A.
Molecular consequence: intron variant.
Genome position (GRCh38, 1-based): chr20:25,323,320, C>T on the plus strand (G>A on the coding strand, the complement: ABHD12 is on the minus strand). VCF-style: chr20-25323320-C-T. GRCh37 (hg19) VCF-style: chr20-25303956-C-T.
Other names: c.422+5G>A (NM_015600.5).
Identifiers: ClinVar variation 3008770 (VCV003008770.3), dbSNP rs2089114479, ClinGen allele CA2356814071.